The following is an entry in ClinVar:

NM_000019.4(ACAT1):c.83_84del (p.Tyr28fs)

Gene: ACAT1 (acetyl-CoA acetyltransferase 1; plus strand). Cytogenetic location: 11q22.3.
Variant type: Microsatellite.
Coding change: c.83_84del on transcript NM_000019.4 (MANE Select); coding-DNA positions 83 to 84, 2 bases deleted (AT; older notation c.83_84delAT).
Protein change: p.Tyr28fs; shifts the reading frame from tyrosine 28.
Molecular consequence: frameshift variant. On other transcripts: 5 prime UTR variant (10), non-coding transcript variant (2).
Genome position (GRCh38, 1-based): chr11:108,131,917-108,131,918, AT deleted; deleting any 2 consecutive bases within chr11:108,131,915-108,131,918 gives the same sequence; the c. name uses the placement nearest the transcript's 3' end. VCF-style (leftmost placement, unchanged base first): chr11-108131914-GAT-G. GRCh37 (hg19) VCF-style: chr11-108002641-GAT-G.
Other names: c.-190AT[1] (NM_001386691.1, NM_001386681.1, NM_001386682.1 and 6 more transcripts); c.83_84del, p.Tyr28fs (NM_001386677.1, NM_001386678.1); c.-197AT[1] (NM_001386679.1); c.83_84delAT (NM_000019.3); short protein forms Y28fs.
Identifiers: ClinVar variation 666463 (VCV000666463.31), dbSNP rs749873354, ClinGen allele CA6263002.

ClinVar aggregate classification (germline): Pathogenic/Likely pathogenic. Review status: criteria provided, multiple submitters, no conflicts (2 of 4 stars). 7 submissions from 7 submitters: Pathogenic (6); Likely pathogenic (1). Last evaluated 2025-12-26.

Conditions:
Deficiency of acetyl-CoA acetyltransferase. Also called: 3-OXOTHIOLASE DEFICIENCY; MITOCHONDRIAL ACETOACETYL-CoA THIOLASE DEFICIENCY; Beta-ketothiolase deficiency; 3-KETOTHIOLASE DEFICIENCY. Identifiers: Orphanet 134, MedGen C1536500, MONDO:0008760, OMIM 203750. Disease mechanism: loss of function.

Submissions (7):

Natera, Inc.
Classification: Pathogenic for Alpha-methylacetoacetic aciduria. Last evaluated: 2025-12-26. Review status: criteria provided, single submitter. Criteria: Natera Variant Classification Schema (03/2026). Collection method: clinical testing. Allele origin: germline.
Comment: The c.83_84delAT variant in ACAT1 is a frameshift variant predicted to shift the reading frame beginning at codon 28 and leads to a stop codon 38 codons downstream. This variant is expected to result in nonsense mediated decay, truncation, or a dysfunctional protein product. This variant is rare in the general population with a frequency below the threshold expected for the associated phenotype(s). This variant has been observed in one or more individuals affected with the associated recessive disease, as either homozygous or compound heterozygous with a second variant (PMID: 34001203, 28255778). Given the available evidence, this variant is classified as Pathogenic.

CeGaT Center for Human Genetics Tuebingen
Classification: Pathogenic. Last evaluated: 2024-06-01. Review status: criteria provided, single submitter. Criteria: CeGaT Center For Human Genetics Tuebingen Variant Classification Criteria Version 2. Collection method: clinical testing. Allele origin: germline. Affected: yes. Observed: 1 variant allele.
Comment: ACAT1: PVS1, PM2, PM3, PP4:Moderate

Fulgent Genetics
Classification: Likely pathogenic for Deficiency of acetyl-CoA acetyltransferase. Last evaluated: 2024-01-03. Review status: criteria provided, single submitter. Criteria: ACMG Guidelines, 2015. Collection method: clinical testing. Allele origin: germline.

Labcorp Genetics (formerly Invitae), Labcorp
Classification: Pathogenic for Deficiency of acetyl-CoA acetyltransferase. Last evaluated: 2023-10-06. Review status: criteria provided, single submitter. Criteria: Invitae Variant Classification Sherloc (09022015). Collection method: clinical testing. Allele origin: germline.
Comment: This sequence change creates a premature translational stop signal (p.Tyr28Cysfs*38) in the ACAT1 gene. It is expected to result in an absent or disrupted protein product. Loss-of-function variants in ACAT1 are known to be pathogenic (PMID: 7749408). This variant is present in population databases (rs749873354, gnomAD 0.01%). This premature translational stop signal has been observed in individual(s) with beta-ketothiolase deficiency (PMID: 9090533). ClinVar contains an entry for this variant (Variation ID: 666463). For these reasons, this variant has been classified as Pathogenic.

Women's Health and Genetics/Laboratory Corporation of America, LabCorp
Classification: Pathogenic for Deficiency of acetyl-CoA acetyltransferase. Last evaluated: 2020-06-08. Review status: criteria provided, single submitter. Criteria: LabCorp Variant Classification Summary - May 2015. Collection method: clinical testing. Allele origin: germline.
Comment: Variant summary: ACAT1 c.83_84delAT (p.Tyr28CysfsX38) results in a premature termination codon, predicted to cause a truncation of the encoded protein or absence of the protein due to nonsense mediated decay, which are commonly known mechanisms for disease. The variant allele was found at a frequency of 4.1e-06 in 241332 control chromosomes (gnomAD). c.83_84delAT has been reported in the literature in multiple individuals (both compound heterozygous and homozygous) affected with Mitochondrial Acetoacetyl-CoA Thiolase Deficiency (Fukao_1997, Su_2017, Paquay_2017). These data indicate that the variant is very likely to be associated with disease. Fibroblasts obtained from a compound heterozygous individual carrying the variant of interest and another pathogenic variant showed very low levels of RNA and protein (Fukao_1997). Enzymatic activity measured in fibroblasts from homozygous individuals also showed reduced enzymatic activity (Paquay_2017). One ClinVar submitter (evaluation after 2014) cite the variant as pathogenic. Based on the evidence outlined above, the variant was classified as pathogenic.

Department of Pediatrics, Gifu University
Classification: Pathogenic for Deficiency of acetyl-CoA acetyltransferase. Last evaluated: 2019-05-05. Review status: criteria provided, single submitter. Criteria: ACMG Guidelines, 2015. Collection method: research. Allele origin: germline. Affected: yes. Observed: 4 variant alleles. Clinical features observed: Ketoacidosis, Altered mental status.

Juno Genomics, Hangzhou Juno Genomics, Inc
Classification: Pathogenic for Deficiency of acetyl-CoA acetyltransferase. Review status: criteria provided, single submitter. Criteria: ACMG Guidelines, 2015. Collection method: clinical testing. Allele origin: germline. Affected: yes.
Comment: Absent from controls (or at extremely low frequency if recessive) in Genome Aggregation Database, Exome Sequencing Project, 1000 Genomes Project, or Exome Aggregation Consortium.;Null variant in a gene where loss of function (LOF) is a known mechanism of disease.;For recessive disorders, detected in trans with a pathogenic variant.;Co-segregation with disease in multiple affected family members in a gene definitively known to cause the disease.

Literature cited by the submitters: PubMed 34001203 (cited by Natera, Inc.); PubMed 28255778 (cited by Natera, Inc. and Women's Health and Genetics/Laboratory Corporation of America, LabCorp); PubMed 7749408 (cited by Labcorp Genetics (formerly Invitae), Labcorp); PubMed 9090533 (cited by Labcorp Genetics (formerly Invitae), Labcorp and Women's Health and Genetics/Laboratory Corporation of America, LabCorp); PubMed 31268215 (cited by Women's Health and Genetics/Laboratory Corporation of America, LabCorp and Department of Pediatrics, Gifu University); PubMed 28875337 (cited by Women's Health and Genetics/Laboratory Corporation of America, LabCorp).